The following is an entry in ClinVar:

ClinVar aggregate classification (germline): Uncertain significance (1 of 4 stars; one submission).

Conditions:
Epidermolysis bullosa simplex with nail dystrophy (EBS5D). Identifiers: MedGen C4225309, MONDO:0014661, OMIM 616487.

Submission:

Neuberg Centre For Genomic Medicine, NCGM
Classification: Uncertain significance for Epidermolysis bullosa simplex with nail dystrophy. Review status: criteria provided, single submitter. Criteria: ACMG Guidelines, 2015. Collection method: clinical testing. Allele origin: germline. Inheritance: Autosomal recessive inheritance. Affected: yes.
Comment: The frameshift variant c.8249_8250del (p.Glu2750GlyfsTer21) in PLEC gene has not been reported previously as a pathogenic variant nor as a benign variant, to our knowledge. The p.Glu2750GlyfsTer21 variant is novel (not in any individuals) in gnomAD Exomes and 1000 Genomes. This variant causes a frameshift starting with codon Glutamic Acid 2750, changes this amino acid to Glycine residue, and creates a premature Stop codon at position 21 of the new reading frame, denoted p.Glu2750GlyfsTer21. However since this variant is present in the last exon, functional studies will be required to prove protein truncation. For these reasons, this variant has been classified as Uncertain Significance. In the absence of another reportable variant / CNV, the molecular diagnosis of PLEC related disorder is not confirmed

NM_201384.3(PLEC):c.7838_7839del (p.Glu2613fs)

Gene: PLEC (plectin; minus strand). Cytogenetic location: 8q24.3.
Variant type: Microsatellite.
Coding change: c.7838_7839del on transcript NM_201384.3 (MANE Select); coding-DNA positions 7838 to 7839, 2 bases deleted (AG; older notation c.7838_7839delAG).
Protein change: p.Glu2613fs; shifts the reading frame from glutamic acid 2613.
Molecular consequence: frameshift variant.
Genome position (GRCh38, 1-based): chr8:143,921,982-143,921,983, CT deleted on the plus strand (AG on the coding strand, the reverse complement: PLEC is on the minus strand); deleting any 2 consecutive bases within chr8:143,921,982-143,921,985 gives the same sequence; the c. name uses the placement nearest the transcript's 3' end. VCF-style (leftmost placement, unchanged base first): chr8-143921981-CCT-C. GRCh37 (hg19) VCF-style: chr8-144996149-CCT-C.
Other names: c.7919_7920del, p.Glu2640fs (NM_000445.5); c.4538_4539del, p.Glu1513fs (NM_001410941.1); c.7796_7797del, p.Glu2599fs (NM_201378.4); c.7772_7773del, p.Glu2591fs (NM_201379.3); c.8249_8250del, p.Glu2750fs (NM_201380.4); c.7742_7743del, p.Glu2581fs (NM_201381.3); c.7838_7839del, p.Glu2613fs (NM_201382.4); c.7850_7851del, p.Glu2617fs (NM_201383.3); short protein forms E1513fs, E2613fs, E2591fs, E2581fs, E2599fs, E2640fs, E2617fs, E2750fs.
Identifiers: ClinVar variation 2585195 (VCV002585195.1), dbSNP rs2537536525, ClinGen allele CA2582341973.